The following is an entry in ClinVar:

ClinVar aggregate classification (germline): Uncertain significance. Review status: criteria provided, multiple submitters, no conflicts (2 of 4 stars). 2 submissions from 2 submitters: Uncertain significance (2). Last evaluated 2023-04-26.

Conditions:
Inborn genetic diseases. Identifiers: MedGen C0950123, MeSH D030342.
Fucosidosis. Also called: ALPHA-L-FUCOSIDASE DEFICIENCY. Identifiers: Orphanet 349, MedGen C0016788, MONDO:0009254, OMIM 230000.

Allele frequency attached by ClinVar (database versions not stated): gnomAD 0.00001; gnomAD exomes 0.00002 and 0.00003; TOPMed 0.00002; ExAC 0.00005; ESP Exome Variant Server 0.00008.
gnomAD v4.1: 28 of 1,612,788 alleles (0.0017%); highest among the groups gnomAD compares: African/African-American, 0.0027%; no homozygotes.

Submissions (2):

Ambry Genetics
Classification: Uncertain significance for Inborn genetic diseases. Last evaluated: 2023-04-26. Review status: criteria provided, single submitter. Criteria: Ambry Variant Classification Scheme 2023. Collection method: clinical testing. Allele origin: germline.

Labcorp Genetics (formerly Invitae), Labcorp
Classification: Uncertain significance for Fucosidosis. Last evaluated: 2022-09-12. Review status: criteria provided, single submitter. Criteria: Invitae Variant Classification Sherloc (09022015). Collection method: clinical testing. Allele origin: germline.
Comment: This sequence change replaces arginine, which is basic and polar, with histidine, which is basic and polar, at codon 178 of the FUCA1 protein (p.Arg178His). This variant is present in population databases (rs145537354, gnomAD 0.006%). This variant has not been reported in the literature in individuals affected with FUCA1-related conditions. ClinVar contains an entry for this variant (Variation ID: 837726). Advanced modeling of protein sequence and biophysical properties (such as structural, functional, and spatial information, amino acid conservation, physicochemical variation, residue mobility, and thermodynamic stability) performed at Invitae indicates that this missense variant is not expected to disrupt FUCA1 protein function. In summary, the available evidence is currently insufficient to determine the role of this variant in disease. Therefore, it has been classified as a Variant of Uncertain Significance.

NM_000147.5(FUCA1):c.533G>A (p.Arg178His)

Gene: FUCA1 (alpha-L-fucosidase 1; minus strand). Cytogenetic location: 1p36.11.
Variant type: single nucleotide variant.
Coding change: c.533G>A on transcript NM_000147.5 (MANE Select); coding-DNA position 533, G replaced by A.
Protein change: p.Arg178His; replaces arginine 178 with histidine.
Molecular consequence: missense variant.
Genome position (GRCh38, 1-based): chr1:23,863,263, C>T on the plus strand (G>A on the coding strand, the complement: FUCA1 is on the minus strand). VCF-style: chr1-23863263-C-T. GRCh37 (hg19) VCF-style: chr1-24189753-C-T.
Other names: short protein forms R178H.
Identifiers: ClinVar variation 837726 (VCV000837726.8), dbSNP rs145537354, ClinGen allele CA686504.